The following is an entry in ClinVar:

ClinVar aggregate classification (germline): Uncertain significance (1 of 4 stars; one submission).

Submission:

GeneDx
Classification: Uncertain significance. Last evaluated: 2024-08-28. Review status: criteria provided, single submitter. Criteria: GeneDx Variant Classification Process June 2021. Collection method: clinical testing. Allele origin: germline. Affected: yes.
Comment: Not observed at significant frequency in large population cohorts (gnomAD); In silico analysis supports that this missense variant has a deleterious effect on protein structure/function; Has not been previously published as pathogenic or benign to our knowledge

NM_001170629.2(CHD8):c.4097T>C (p.Ile1366Thr)

Gene: CHD8 (chromodomain helicase DNA binding protein 8; minus strand). Cytogenetic location: 14q11.2.
Variant type: single nucleotide variant.
Coding change: c.4097T>C on transcript NM_001170629.2 (MANE Select); coding-DNA position 4097, T replaced by C.
Protein change: p.Ile1366Thr; replaces isoleucine 1366 with threonine.
Molecular consequence: missense variant.
Genome position (GRCh38, 1-based): chr14:21,401,479, A>G on the plus strand (T>C on the coding strand, the complement: CHD8 is on the minus strand). VCF-style: chr14-21401479-A-G. GRCh37 (hg19) VCF-style: chr14-21869638-A-G.
Other names: c.3260T>C, p.Ile1087Thr (NM_020920.4); short protein forms I1087T, I1366T.
Identifiers: ClinVar variation 3765938 (VCV003765938.1).
Genomic context (GRCh38, chr14:21,401,479, plus strand): 5'-TCCATGTCTAGGTCAGCCTTTTTGGCCCACTTTTGCCAAAAGTTGGGGTCATCCAAAGAA[A>G]TATCTGTCCTGTTTTCAGAAGCAACAAAGCTTGCCTAGAGAAAAACAAATGCAGAGGTAA-3'
Protein context (NP_001164100.1, residues 1356-1376): SFVASENRTD[Ile1366Thr]SLDDPNFWQK